The following is an entry in ClinVar:

NM_006922.4(SCN3A):c.52A>C (p.Thr18Pro)

Gene: SCN3A (sodium voltage-gated channel alpha subunit 3; minus strand). Cytogenetic location: 2q24.3.
Variant type: single nucleotide variant.
Coding change: c.52A>C on transcript NM_006922.4 (MANE Select); coding-DNA position 52, A replaced by C.
Protein change: p.Thr18Pro; replaces threonine 18 with proline.
Molecular consequence: missense variant.
Genome position (GRCh38, 1-based): chr2:165,176,343, T>G on the plus strand (A>C on the coding strand, the complement: SCN3A is on the minus strand). VCF-style: chr2-165176343-T-G. GRCh37 (hg19) VCF-style: chr2-166032853-T-G.
Other names: c.52A>C, p.Thr18Pro (NM_001081676.2, NM_001081677.2); short protein forms T18P.
Identifiers: ClinVar variation 4686354 (VCV004686354.1).

ClinVar aggregate classification (germline): Uncertain significance (1 of 4 stars; one submission).

Submission:

GeneDx
Classification: Uncertain significance. Last evaluated: 2025-07-17. Review status: criteria provided, single submitter. Criteria: GeneDx Variant Classification Process June 2021. Collection method: clinical testing. Allele origin: germline. Affected: yes.
Comment: Not observed at significant frequency in large population cohorts (gnomAD); In silico analysis supports that this missense variant has a deleterious effect on protein structure/function; Has not been previously published as pathogenic or benign to our knowledge; In silico analysis suggests this variant may impact gene splicing. In the absence of RNA/functional studies, the actual effect of this sequence change is unknown.